The following is an entry in ClinVar:

ClinVar aggregate classification (germline): Uncertain significance (1 of 4 stars; one submission).

Submission:

GeneDx
Classification: Uncertain significance. Last evaluated: 2026-03-18. Review status: criteria provided, single submitter. Criteria: GeneDx Variant Classification Process June 2021. Collection method: clinical testing. Allele origin: germline.
Comment: Not observed at significant frequency in large population cohorts (gnomAD); In silico analysis suggests that this missense variant does not alter protein structure/function; Has not been previously published as pathogenic or benign to our knowledge

NM_181458.4(PAX3):c.1196A>G (p.His399Arg)

Gene: PAX3 (paired box 3; minus strand). Cytogenetic location: 2q36.1.
Variant type: single nucleotide variant.
Coding change: c.1196A>G on transcript NM_181458.4 (MANE Select); coding-DNA position 1196, A replaced by G.
Protein change: p.His399Arg; replaces histidine 399 with arginine.
Molecular consequence: missense variant. On other transcripts: intron variant (2).
Genome position (GRCh38, 1-based): chr2:222,202,168, T>C on the plus strand (A>G on the coding strand, the complement: PAX3 is on the minus strand). VCF-style: chr2-222202168-T-C. GRCh37 (hg19) VCF-style: chr2-223066887-T-C.
Other names: c.1193A>G, p.His398Arg (NM_001127366.3); c.1196A>G, p.His399Arg (NM_181457.4, NM_181459.4); c.1174-726A>G (NM_181460.4, NM_181461.4); short protein forms H398R, H399R.
Identifiers: ClinVar variation 5009117 (VCV005009117.1).